The following is an entry in ClinVar:

NM_201253.3(CRB1):c.1349G>A (p.Cys450Tyr)

Gene: CRB1 (crumbs cell polarity complex component 1; plus strand). Cytogenetic location: 1q31.3.
Variant type: single nucleotide variant.
Coding change: c.1349G>A on transcript NM_201253.3 (MANE Select); coding-DNA position 1349, G replaced by A.
Protein change: p.Cys450Tyr; replaces cysteine 450 with tyrosine.
Molecular consequence: missense variant. On other transcripts: non-coding transcript variant (2).
Genome position (GRCh38, 1-based): chr1:197,421,177, G>A. VCF-style: chr1-197421177-G-A. GRCh37 (hg19) VCF-style: chr1-197390307-G-A.
Other names: c.1349G>A (NM_201253.2); c.1013G>A, p.Cys338Tyr (NM_001193640.2); c.1142G>A, p.Cys381Tyr (NM_001257965.2); c.1349G>A, p.Cys450Tyr (NM_001257966.2); short protein forms C338Y, C381Y, C450Y.
Identifiers: ClinVar variation 1068031 (VCV001068031.12), dbSNP rs746597173, ClinGen allele CA1311910.

ClinVar aggregate classification (germline): Conflicting classifications of pathogenicity. Review status: criteria provided, conflicting classifications (1 of 4 stars). 4 submissions from 4 submitters: Pathogenic (1); Likely pathogenic (1); Uncertain significance (1). 1 of the submissions does not count toward it. Last evaluated 2025-06-18.

Conditions:
Retinitis pigmentosa 12 (RP12). Also called: RP WITH OR WITHOUT PPRPE; RP WITH OR WITHOUT PRESERVED PARAARTERIOLE RETINAL PIGMENT EPITHELIUM; RETINITIS PIGMENTOSA WITH OR WITHOUT PARAARTERIOLAR PRESERVATION OF RETINAL PIGMENT EPITHELIUM. Identifiers: Orphanet 791, MedGen C1838647, MONDO:0010818, OMIM 600105.
Leber congenital amaurosis 8 (LCA8). Identifiers: Orphanet 65, MedGen C3151202, MONDO:0013453, OMIM 613835.
Retinal dystrophy. Also called: Inherited retinal dystrophy. Identifiers: Orphanet 71862, MedGen C0854723, MeSH D058499, MONDO:0019118, HP:0000556.
Leber congenital amaurosis (LCA). Also called: Leber's amaurosis. Identifiers: Orphanet 65, MedGen C0339527, MeSH D057130, MONDO:0018998.

Allele frequency attached by ClinVar (database versions not stated): gnomAD exomes below 0.00001 and 0.00001; ExAC 0.00001.
gnomAD v4.1: 2 of 1,614,232 alleles (0.00012%); highest among the groups gnomAD compares: Non-Finnish European, 0.00017%; no homozygotes.

Submissions (4):

Women's Health and Genetics/Laboratory Corporation of America, LabCorp
Classification: Likely pathogenic for Retinal dystrophy. Last evaluated: 2025-06-18. Review status: criteria provided, single submitter. Criteria: LabCorp Variant Classification Summary - May 2015. Collection method: clinical testing. Allele origin: germline.
Comment: Variant summary: CRB1 c.1349G>A (p.Cys450Tyr) results in a non-conservative amino acid change located in an EGF-like repeat domain (IPR000742) of the encoded protein sequence. Algorithms developed to predict the effect of missense changes on protein structure and function all suggest that this variant is likely to be disruptive. The variant allele was found at a frequency of 1.2e-05 in 251420 control chromosomes. c.1349G>A has been observed in individuals affected with Retinal Dystrophy and related phenotypes (e.g. Talib_2022, Feldhaus_2019 (no PMID), Zobor_2023 and Labcorp (formerly Invitae) internal cases). These data indicate that the variant is likely to be associated with disease. To our knowledge, no experimental evidence demonstrating an impact on protein function has been reported. The following publications have been ascertained in the context of this evaluation (PMID: 33579689, 37240262). ClinVar contains an entry for this variant (Variation ID: 1068031). Based on the evidence outlined above, the variant was classified as likely pathogenic.

Labcorp Genetics (formerly Invitae), Labcorp
Classification: Pathogenic for Leber congenital amaurosis 8; Retinitis pigmentosa 12. Last evaluated: 2023-06-09. Review status: criteria provided, single submitter. Criteria: Invitae Variant Classification Sherloc (09022015). Collection method: clinical testing. Allele origin: germline.
Comment: For these reasons, this variant has been classified as Pathogenic. Advanced modeling of protein sequence and biophysical properties (such as structural, functional, and spatial information, amino acid conservation, physicochemical variation, residue mobility, and thermodynamic stability) performed at Invitae indicates that this missense variant is expected to disrupt CRB1 protein function. ClinVar contains an entry for this variant (Variation ID: 1068031). This missense change has been observed in individual(s) with clinical features of retinitis pigmentosa (Invitae). In at least one individual the data is consistent with being in trans (on the opposite chromosome) from a pathogenic variant. It has also been observed to segregate with disease in related individuals. This variant is present in population databases (rs746597173, gnomAD 0.002%). This sequence change replaces cysteine, which is neutral and slightly polar, with tyrosine, which is neutral and polar, at codon 450 of the CRB1 protein (p.Cys450Tyr).

Blueprint Genetics
Classification: Uncertain significance. Last evaluated: 2018-02-06. Review status: criteria provided, single submitter. Criteria: ACMG Guidelines, 2015. Collection method: clinical testing. Allele origin: germline.

Natera, Inc.
Classification: Uncertain significance for Leber congenital amaurosis. Last evaluated: 2025-01-16. Review status: no assertion criteria provided. Collection method: clinical testing. Allele origin: germline. Not counted in ClinVar's aggregate classification.

Literature cited by the submitters: PubMed 33579689 (cited by Women's Health and Genetics/Laboratory Corporation of America, LabCorp); PubMed 37240262 (cited by Women's Health and Genetics/Laboratory Corporation of America, LabCorp).